The following is an entry in ClinVar:

ClinVar aggregate classification (germline): Pathogenic (1 of 4 stars; one submission).

Submission:

Labcorp Genetics (formerly Invitae), Labcorp
Classification: Pathogenic. Last evaluated: 2025-11-01. Review status: criteria provided, single submitter. Criteria: Invitae Variant Classification Sherloc (09022015). Collection method: clinical testing. Allele origin: germline.
Comment: This sequence change creates a premature translational stop signal (p.Ser160Argfs*6) in the PAX3 gene. It is expected to result in an absent or disrupted protein product. Loss-of-function variants in PAX3 are known to be pathogenic (PMID: 20127975, 23512835). This variant is not present in population databases (gnomAD no frequency). This variant has not been reported in the literature in individuals affected with PAX3-related conditions. For these reasons, this variant has been classified as Pathogenic.

Literature cited by the submitters: PubMed 20127975; PubMed 23512835.

NM_181458.4(PAX3):c.480_481del (p.Ser160fs)

Gene: PAX3 (paired box 3; minus strand). Cytogenetic location: 2q36.1.
Variant type: Deletion.
Coding change: c.480_481del on transcript NM_181458.4 (MANE Select); coding-DNA positions 480 to 481, 2 bases deleted (TA; older notation c.480_481delTA).
Protein change: p.Ser160fs; shifts the reading frame from serine 160.
Molecular consequence: frameshift variant.
Genome position (GRCh38, 1-based): chr2:222,294,272-222,294,273, TA deleted on the plus strand (TA on the coding strand, the reverse complement: PAX3 is on the minus strand). VCF-style (leftmost placement, unchanged base first): chr2-222294271-TTA-T. GRCh37 (hg19) VCF-style: chr2-223158990-TTA-T.
Other names: c.480_481del, p.Ser160fs (NM_000438.6, NM_013942.5, NM_181457.4 and 3 more transcripts); c.477_478del, p.Ser159fs (NM_001127366.3); short protein forms S160fs, S159fs.
Identifiers: ClinVar variation 4725175 (VCV004725175.1).